The following is an entry in ClinVar:

ClinVar aggregate classification (germline): Uncertain significance. Review status: criteria provided, multiple submitters, no conflicts (2 of 4 stars). 2 submissions from 2 submitters: Uncertain significance (2). Last evaluated 2024-02-17.

Conditions:
Hereditary cancer-predisposing syndrome. Also called: Hereditary neoplastic syndrome; Neoplastic Syndromes, Hereditary; Tumor predisposition; Hereditary Cancer Syndrome. Identifiers: Orphanet 140162, MedGen C0027672, MeSH D009386, MONDO:0015356.
Juvenile polyposis syndrome (JPS). Identifiers: Orphanet 2929, MedGen C0345893, MONDO:0017380, OMIM 174900.

Submissions (2):

Labcorp Genetics (formerly Invitae), Labcorp
Classification: Uncertain significance for Juvenile polyposis syndrome. Last evaluated: 2024-02-17. Review status: criteria provided, single submitter. Criteria: Invitae Variant Classification Sherloc (09022015). Collection method: clinical testing. Allele origin: germline.
Comment: This sequence change replaces glutamine, which is neutral and polar, with histidine, which is basic and polar, at codon 250 of the SMAD4 protein (p.Gln250His). This variant is not present in population databases (gnomAD no frequency). This variant has not been reported in the literature in individuals affected with SMAD4-related conditions. ClinVar contains an entry for this variant (Variation ID: 1020013). Advanced modeling of protein sequence and biophysical properties (such as structural, functional, and spatial information, amino acid conservation, physicochemical variation, residue mobility, and thermodynamic stability) performed at Invitae indicates that this missense variant is not expected to disrupt SMAD4 protein function with a negative predictive value of 95%. In summary, the available evidence is currently insufficient to determine the role of this variant in disease. Therefore, it has been classified as a Variant of Uncertain Significance.

Sema4
Classification: Uncertain significance for Hereditary cancer-predisposing syndrome. Last evaluated: 2021-08-17. Review status: criteria provided, single submitter. Criteria: Sema4 Curation Guidelines. Collection method: curation. Allele origin: germline.
Comment: The SMAD4 c.750G>C (p.Q250H) variant has not been reported in the literature to our knowledge. It was not observed in the large and broad cohorts of the Genome Aggregation Database. The variant has been reported in ClinVar (Variation ID 1020013). Functional studies have not been performed, and in silico predictions of the variant's effect on protein function are inconclusive. The evidence is insufficient to meet ACMG/AMP criteria for classifying the variant as benign or pathogenic. Thus, the clinical significance of this variant is currently uncertain.

NM_005359.6(SMAD4):c.750G>C (p.Gln250His)

Gene: SMAD4 (SMAD family member 4; plus strand). Cytogenetic location: 18q21.2.
Variant type: single nucleotide variant.
Coding change: c.750G>C on transcript NM_005359.6 (MANE Select); coding-DNA position 750, G replaced by C.
Protein change: p.Gln250His; replaces glutamine 250 with histidine.
Molecular consequence: missense variant.
Genome position (GRCh38, 1-based): chr18:51,058,207, G>C. VCF-style: chr18-51058207-G-C. GRCh37 (hg19) VCF-style: chr18-48584577-G-C.
Other names: short protein forms Q250H.
Identifiers: ClinVar variation 1020013 (VCV001020013.10), dbSNP rs1555685922, ClinGen allele CA402462983.
Genomic context (GRCh38, chr18:51,058,207, plus strand): 5'-GGGCAGCCATAGTGAAGGACTGTTGCAGATAGCATCAGGGCCTCAGCCAGGACAGCAGCA[G>C]AATGGATTTACTGGTCAGCCAGCTACTTACCATCATAGTATGTACATACTTTAAAAAATC-3'
Protein context (NP_005350.1, residues 240-260): IASGPQPGQQ[Gln250His]NGFTGQPATY